The following is an entry in ClinVar:

ClinVar aggregate classification (germline): Conflicting classifications of pathogenicity. Review status: criteria provided, conflicting classifications (1 of 4 stars). 15 submissions from 15 submitters: Pathogenic (11); Likely pathogenic (2); Uncertain significance (1). 1 of the submissions does not count toward it. Last evaluated 2025-12-20.

Conditions:
Inborn genetic diseases. Identifiers: MedGen C0950123, MeSH D030342.
SCN4A-related disorder. Also called: SCN4A-related disorders.
Congenital myasthenic syndrome 16. Identifiers: Orphanet 590, MedGen C3280112, MONDO:0013620, OMIM 614198.
Hyperkalemic periodic paralysis. Also called: Familial hyperkalemic periodic paralysis; Gamstorp disease. Identifiers: Orphanet 682, MedGen C0238357, MONDO:0008224, OMIM 170500, HP:0007215.
Hypokalemic periodic paralysis, type 2 (HOKPP2). Identifiers: Orphanet 681, MedGen C2750061, MONDO:0013234, OMIM 613345.
Potassium-aggravated myotonia. Also called: Myotonia congenita, atypical, acetazolamide-responsive; MYOTONIA CONGENITA, ACETAZOLAMIDE-RESPONSIVE; MYOTONIA CONGENITA, ATYPICAL; SODIUM CHANNEL MUSCLE DISEASE. Identifiers: Orphanet 612, Orphanet 99734, Orphanet 99735, Orphanet 99736, MedGen C2931826, MONDO:0018959, OMIM 608390.
Paramyotonia congenita of Von Eulenburg. Also called: Eulenburg disease; Myotonia congenita intermittens; Von Eulenburg paramyotonia congenita; Paramyotonia Congenita; PARALYSIS PERIODICA PARAMYOTONICA. Identifiers: Orphanet 684, MedGen C0221055, MONDO:0008195, OMIM 168300. Disease mechanism: loss of function.
Hypokalemic periodic paralysis, type 1. Also called: Hypokalemic Periodic Paralysis Type 1 (AD); HypoPP. Identifiers: Orphanet 681, MedGen C3714580, MONDO:0042979, OMIM 170400.
Paramyotonia congenita/hyperkalemic periodic paralysis. Identifiers: MedGen C1858891.
Focal-onset seizure. Also called: Focal seizures. Identifiers: MedGen C0751495, HP:0007359.

Allele frequency attached by ClinVar (database versions not stated): TOPMed 0.00002; gnomAD 0.00003.
gnomAD v4.1: 56 of 1,613,762 alleles (0.0035%); highest among the groups gnomAD compares: Non-Finnish European, 0.0011%; no homozygotes.

Submissions (15):

Labcorp Genetics (formerly Invitae), Labcorp
Classification: Pathogenic for Hyperkalemic periodic paralysis. Last evaluated: 2025-12-20. Review status: criteria provided, single submitter. Criteria: Invitae Variant Classification Sherloc (09022015). Collection method: clinical testing. Allele origin: germline.
Comment: This sequence change replaces alanine, which is neutral and non-polar, with threonine, which is neutral and polar, at codon 1156 of the SCN4A protein (p.Ala1156Thr). This variant is present in population databases (rs80338958, gnomAD 0.05%). This missense change has been observed in individuals with autosomal dominant SCN4A-related disease (PMID: 1338909, 28330959). It has also been observed to segregate with disease in related individuals. ClinVar contains an entry for this variant (Variation ID: 5900). Invitae Evidence Modeling of protein sequence and biophysical properties (such as structural, functional, and spatial information, amino acid conservation, physicochemical variation, residue mobility, and thermodynamic stability) has been performed for this missense variant. However, the output from this modeling did not meet the statistical confidence thresholds required to predict the impact of this variant on SCN4A protein function. Experimental studies have shown that this missense change affects SCN4A function (PMID: 7809121, 28330959). For these reasons, this variant has been classified as Pathogenic.

Mayo Clinic Laboratories, Mayo Clinic
Classification: Pathogenic. Last evaluated: 2025-07-14. Review status: criteria provided, single submitter. Criteria: ACMG Guidelines, 2015. Collection method: clinical testing. Allele origin: germline. Observed: 1 variant allele.
Comment: PP1_strong, PP3_moderate, PM2_supporting, PS3, PS4_moderate

OLLIN Analises Genomicas, OLLIN
Classification: Pathogenic for Potassium-aggravated myotonia. Last evaluated: 2025-05-28. Review status: criteria provided, single submitter. Criteria: ACMG Guidelines 2015 PMID 25741868. Collection method: clinical testing. Allele origin: germline. Affected: yes. Observed: 1 variant allele.
Comment: The missense variant (chr17:63945614C>T), located in exon 19 (of 24), is reported in ClinVar (VCV000005900.66), in gnomAD v4.1 non-UKB with an allele frequency of 0.0064%, and in the scientific literature in individuals with SCN4A-related diseases (PMID: 1338909, 7809121, 28330959). Functional studies suggest that this variant affects protein function (PMID: 1338909, 7809121, 28330959), and in silico analysis predicts that it has a deleterious effect. There is another pathogenic variant reported in the same residue, but with a different consequence. According to the currently available evidence, this variant has been classified as pathogenic (PS3, PM2, PM5, PP2, PP3).

Revvity Omics, Revvity
Classification: Pathogenic. Last evaluated: 2025-01-16. Review status: criteria provided, single submitter. Criteria: ACMG Guidelines, 2015. Collection method: clinical testing. Allele origin: germline.

Blueprint Genetics
Classification: Uncertain significance. Last evaluated: 2024-05-13. Review status: criteria provided, single submitter. Criteria: ACMG Guidelines, 2015. Collection method: clinical testing. Allele origin: germline.

Ambry Genetics
Classification: Pathogenic for Inborn genetic diseases. Last evaluated: 2023-03-08. Review status: criteria provided, single submitter. Criteria: Ambry Variant Classification Scheme 2023. Collection method: clinical testing. Allele origin: germline.
Comment: The c.3466G>A (p.A1156T) alteration is located in exon 19 (coding exon 19) of the SCN4A gene. This alteration results from a G to A substitution at nucleotide position 3466, causing the alanine (A) at amino acid position 1156 to be replaced by a threonine (T). _x000D_ _x000D_ The SCN4A c.3466G>A (p.A1156T) alteration is classified as pathogenic for autosomal dominant SCN4A-related myotonia and/or periodic paralysis disorders; however, its clinical significance for autosomal recessive SCN4A-related congenital myasthenic syndrome is unclear. Based on data from gnomAD, the A allele has an overall frequency of 0.005% (15/281704) total alleles studied. The highest observed frequency was 0.044% (11/25072) of European (Finnish) alleles. This alteration has been reported in multiple individuals and families with clinical features consistent with SCN4A-related myotonia and/or periodic paralysis disorders (McClatchey, 1992; Lee, 2009; Song, 2012; Palmio, 2017; Sainio, 2022). EMG myotonic discharges have been detected in multiple individuals with this variant (Palmio, 2017). Another alteration at the same codon, c.3466G>T (p.A1156S), has been described in an individual with sodium-channel myotonia (Maggi, 2020). This amino acid position is highly conserved in available vertebrate species. Functional analysis demonstrated that the p.A1156T alteration exhibited a disturbance in channel inactivation compared to the wild-type (Yang, 1994; Palmio, 2017). This alteration is predicted to be deleterious by in silico analysis. Based on the available evidence, this alteration is classified as pathogenic.

GeneDx
Classification: Pathogenic. Last evaluated: 2022-05-23. Review status: criteria provided, single submitter. Criteria: GeneDx Variant Classification Process June 2021. Collection method: clinical testing. Allele origin: germline. Affected: yes.
Comment: Published functional studies demonstrate that this variant results in altered channel inactivation and voltage dependence compared to wild-type controls (Yang et al., 1994; Hayward et al., 1999; Palmio et al., 2017); In silico analysis supports that this missense variant has a deleterious effect on protein structure/function; Missense variants in nearby residues reported in the Human Gene Mutation Database (HGMD); This variant is associated with the following publications: (PMID: 7809121, 22016737, 10227633, 14501839, 22926674, 20076800, 16193245, 1338909, 28330959, 31440732, 32849172, 32619119)

Fulgent Genetics
Classification: Pathogenic for Paramyotonia congenita of Von Eulenburg; Hypokalemic periodic paralysis, type 1; Hyperkalemic periodic paralysis; Potassium-aggravated myotonia; Hypokalemic periodic paralysis, type 2; Congenital myasthenic syndrome 16. Last evaluated: 2022-04-24. Review status: criteria provided, single submitter. Criteria: ACMG Guidelines, 2015. Collection method: clinical testing. Allele origin: unknown.

Cytogénomique, Hospices Civils de Lyon
Classification: Pathogenic for Focal-onset seizure. Last evaluated: 2022-03-31. Review status: criteria provided, single submitter. Criteria: ACMG Guidelines, 2015. Collection method: clinical testing. Allele origin: paternal. Inheritance: Autosomal dominant inheritance. Affected: yes.

MGZ Medical Genetics Center
Classification: Likely pathogenic for Hyperkalemic periodic paralysis. Last evaluated: 2022-01-11. Review status: criteria provided, single submitter. Criteria: ACMG Guidelines, 2015. Collection method: clinical testing. Allele origin: germline. Affected: yes. Observed: 1 variant allele.
Comment: ACMG criteria applied: PS3, PS4_SUP, PP1, PP3

Breakthrough Genomics
Classification: Pathogenic for Potassium-aggravated myotonia. Last evaluated: 2021-03-30. Review status: criteria provided, single submitter. Criteria: ACMG Guidelines, 2015. Collection method: clinical testing. Allele origin: germline. Affected: yes.
Comment: This variant was previously reported in a family of Finnish origin with incomplete penetrance and the members were reported with variable phenotypes, but it was found to be consistent with the features of HYPP, PMC, and myotonia [PMID: 1338909]. Functional studies using invitro transfection assays showed fast inactivation in cells harboring variant p.A1156T channel was mildly attenuated in comparison to cells with wild-type channel suggesting the gain of function [PMID: 28330959]

Athena Diagnostics
Classification: Likely pathogenic. Last evaluated: 2019-05-10. Review status: criteria provided, single submitter. Criteria: Athena Diagnostics Criteria. Collection method: clinical testing. Allele origin: germline.
Comment: The best available variant frequency is 3-10 times higher than the disease allele frequency, and data include at least 10 observations. Statistically enriched in uncharacterized patients compared to unmatched population data. Found in at least one symptomatic patient. Predicted to have a damaging effect on the protein. Damaging to protein function(s) relevant to disease mechanism.

CeGaT Center for Human Genetics Tuebingen
Classification: Pathogenic. Last evaluated: 2018-07-01. Review status: criteria provided, single submitter. Criteria: CeGaT Center For Human Genetics Tuebingen Variant Classification Criteria Version 2. Collection method: clinical testing. Allele origin: germline. Affected: yes. Observed: 1 variant allele.

Rady Children's Institute for Genomic Medicine, Rady Children's Hospital San Diego
Classification: Pathogenic for SCN4A-Related Disorders. Review status: criteria provided, single submitter. Criteria: ACMG Guidelines, 2015. Collection method: clinical testing. Allele origin: germline. Affected: yes.
Comment: This variant has been previously reported as a heterozygous change in patients with paramyotonia congenita, hyperkalaemic periodic paralysis, exercise- and cold-induced muscle cramps, muscle stiffness, myalgia, and generalized seizures (PMID: 1338909, 28330959, 22926674, 31440732, 34418069). Different amino acid changes at the same residue (p.Ala1156Ser) have been previously reported in individuals with myotonia and periodic paralyses (PMID: 32849172). Functional studies showed that the c.3466G>A (p.Ala1156Thr) variant resulted in mild attenuation and disturbance of channel inactivation due to reduced macroscopic rate, accelerated recovery, and altered voltage dependence (PMID: 1338909, 7809121, 28330959). The c.3466G>A (p.Ala1156Thr) variant is present in the heterozygous state in the gnomAD population database at a frequency of 0.005% (15/281704) and thus is presumed to be rare. The c.3466G>A (p.Ala1156Thr) variant affects a highly conserved amino acid and is predicted by multiple in silico tools to have a deleterious effect on protein function. Based on the available evidence, the c.3466G>A (p.Ala1156Thr) variant is classified as Pathogenic.

OMIM
Classification: Pathogenic for PARAMYOTONIA CONGENITA/HYPERKALEMIC PERIODIC PARALYSIS. Last evaluated: 1992-10-01. Review status: no assertion criteria provided. Collection method: literature only. Allele origin: germline. Not counted in ClinVar's aggregate classification.

Literature cited by the submitters: PubMed 1338909 (cited by 6 submitters); PubMed 28330959 (cited by 5 submitters); PubMed 7809121 (cited by 5 submitters); PubMed 20076800 (cited by 3 submitters); PubMed 22926674 (cited by 3 submitters); PubMed 31440732 (cited by Mayo Clinic Laboratories, Mayo Clinic); PubMed 34418069 (cited by Mayo Clinic Laboratories, Mayo Clinic and Ambry Genetics); PubMed 36796140 (cited by Mayo Clinic Laboratories, Mayo Clinic); PubMed 32849172 (cited by Ambry Genetics); PubMed 11723275 (cited by Athena Diagnostics).

NM_000334.4(SCN4A):c.3466G>A (p.Ala1156Thr)

Genes: GH-LCR (growth hormone locus control region; plus strand), SCN4A (sodium voltage-gated channel alpha subunit 4; minus strand). Cytogenetic location: 17q23.3.
Variant type: single nucleotide variant.
Coding change: c.3466G>A on transcript NM_000334.4 (MANE Select); coding-DNA position 3466, G replaced by A.
Protein change: p.Ala1156Thr; replaces alanine 1156 with threonine.
Molecular consequence: missense variant.
Genome position (GRCh38, 1-based): chr17:63,945,614, C>T on the plus strand (G>A on the coding strand, the complement: SCN4A is on the minus strand). VCF-style: chr17-63945614-C-T. GRCh37 (hg19) VCF-style: chr17-62022974-C-T.
Other names: short protein forms A1156T.
Identifiers: ClinVar variation 5900 (VCV000005900.72), dbSNP rs80338958, ClinGen allele CA117837.